The following is an entry in ClinVar:

NM_001759.4(CCND2):c.158C>T (p.Pro53Leu)

Genes: CCND2 (cyclin D2; plus strand), CCND2-AS1 (CCND2 antisense RNA 1; minus strand). Cytogenetic location: 12p13.32.
Variant type: single nucleotide variant.
Coding change: c.158C>T on transcript NM_001759.4 (MANE Select); coding-DNA position 158, C replaced by T.
Protein change: p.Pro53Leu; replaces proline 53 with leucine.
Molecular consequence: missense variant.
Genome position (GRCh38, 1-based): chr12:4,274,198, C>T. VCF-style: chr12-4274198-C-T. GRCh37 (hg19) VCF-style: chr12-4383364-C-T.
Other names: short protein forms P53L.
Identifiers: ClinVar variation 3666814 (VCV003666814.2).

ClinVar aggregate classification (germline): Uncertain significance (1 of 4 stars; one submission).

gnomAD v4.1: 1 of 1,614,090 alleles (0.000062%); highest among the groups gnomAD compares: Non-Finnish European, 0.000085%; no homozygotes.

Submission:

Labcorp Genetics (formerly Invitae), Labcorp
Classification: Uncertain significance. Last evaluated: 2024-10-16. Review status: criteria provided, single submitter. Criteria: Invitae Variant Classification Sherloc (09022015). Collection method: clinical testing. Allele origin: germline.
Comment: This sequence change replaces proline, which is neutral and non-polar, with leucine, which is neutral and non-polar, at codon 53 of the CCND2 protein (p.Pro53Leu). This variant is not present in population databases (gnomAD no frequency). This variant has not been reported in the literature in individuals affected with CCND2-related conditions. Invitae Evidence Modeling of protein sequence and biophysical properties (such as structural, functional, and spatial information, amino acid conservation, physicochemical variation, residue mobility, and thermodynamic stability) has been performed for this missense variant. However, the output from this modeling did not meet the statistical confidence thresholds required to predict the impact of this variant on CCND2 protein function. In summary, the available evidence is currently insufficient to determine the role of this variant in disease. Therefore, it has been classified as a Variant of Uncertain Significance.